The following is an entry in ClinVar:

ClinVar aggregate classification (germline): Uncertain significance (1 of 4 stars; one submission).

Submission:

GeneDx
Classification: Uncertain significance. Last evaluated: 2022-04-15. Review status: criteria provided, single submitter. Criteria: GeneDx Variant Classification Process June 2021. Collection method: clinical testing. Allele origin: germline. Affected: yes.
Comment: Not observed at significant frequency in large population cohorts (gnomAD); Frameshift variant predicted to result in protein truncation as the last 492 amino acids are replaced with 33 different amino acids, although loss-of-function variants have not been reported downstream of this position in the protein; Has not been previously published as pathogenic or benign to our knowledge

NM_002234.4(KCNA5):c.364_380delinsACCA (p.Val122fs)

Gene: KCNA5 (potassium voltage-gated channel subfamily A member 5; plus strand). Cytogenetic location: 12p13.32.
Variant type: Indel.
Coding change: c.364_380delinsACCA on transcript NM_002234.4 (MANE Select); coding-DNA positions 364 to 380, GTCCACATCAACATCTC replaced by ACCA.
Protein change: p.Val122fs; shifts the reading frame from valine 122.
Molecular consequence: frameshift variant.
Genome position (GRCh38, 1-based): chr12:5,044,511-5,044,527, GTCCACATCAACATCTC replaced by ACCA. VCF-style: chr12-5044511-GTCCACATCAACATCTC-ACCA. GRCh37 (hg19) VCF-style: chr12-5153677-GTCCACATCAACATCTC-ACCA.
Other names: short protein forms V122fs.
Identifiers: ClinVar variation 1710752 (VCV001710752.2), dbSNP rs2497477879, ClinGen allele CA2580086259.
Genomic context (GRCh38, chr12:5,044,511, plus strand): 5'-CCCGGCCTGGGCACGGTGGAGGACCAGGCTCTGGGCACGGCGTCCCTGCACCACCAGCGC[GTCCACATCAACATCTC>ACCA]CGGGCTGCGCTTTGAGACGCAGCTGGGCACCCTGGCGCAGTTCCCCAACACACTCCTGGG-3'